The following is an entry in ClinVar:

NM_001388303.1(HECTD4):c.6945C>A (p.Asn2315Lys)

Gene: HECTD4 (HECT domain E3 ubiquitin protein ligase 4; minus strand). Cytogenetic location: 12q24.13.
Variant type: single nucleotide variant.
Coding change: c.6945C>A on transcript NM_001388303.1 (MANE Select); coding-DNA position 6945, C replaced by A.
Protein change: p.Asn2315Lys; replaces asparagine 2315 with lysine.
Molecular consequence: missense variant.
Genome position (GRCh38, 1-based): chr12:112,226,668, G>T on the plus strand (C>A on the coding strand, the complement: HECTD4 is on the minus strand). VCF-style: chr12-112226668-G-T. GRCh37 (hg19) VCF-style: chr12-112664472-G-T.
Other names: c.6975C>A, p.Asn2325Lys (NM_001109662.4); short protein forms N2315K, N2325K.
Identifiers: ClinVar variation 5020981 (VCV005020981.1).

ClinVar aggregate classification (germline): Uncertain significance (1 of 4 stars; one submission).

gnomAD v4.1: 99 of 1,612,304 alleles (0.0061%); highest among the groups gnomAD compares: Middle Eastern, 0.15%; no homozygotes.

Submission:

Dasa
Classification: Uncertain significance. Last evaluated: 2025-03-14. Review status: criteria provided, single submitter. Criteria: DASA Assertion Criteria. Collection method: clinical testing. Allele origin: germline.
Comment: NM_001388303.1(HECTD4):c.6945C>A (p.Asn2315Lys) is a missense variant that results in the substitution of asparagine with lysine. This variant is rare in population databases. Computational prediction algorithms are consistent with a benign effect. The currently available literature and clinical evidence are not sufficient to establish a definitive association between this variant and the reported condition. Therefore, this variant is classified as a variant of uncertain significance.